The following is an entry in ClinVar:

NM_014845.6(FIG4):c.1090A>T (p.Met364Leu)

Gene: FIG4 (FIG4 phosphoinositide 5-phosphatase; plus strand). Cytogenetic location: 6q21.
Variant type: single nucleotide variant.
Coding change: c.1090A>T on transcript NM_014845.6 (MANE Select); coding-DNA position 1090, A replaced by T.
Protein change: p.Met364Leu; replaces methionine 364 with leucine.
Molecular consequence: missense variant.
Genome position (GRCh38, 1-based): chr6:109,743,725, A>T. VCF-style: chr6-109743725-A-T. GRCh37 (hg19) VCF-style: chr6-110064928-A-T.
Other names: p.M364L:ATG>TTG; short protein forms M364L.
Identifiers: ClinVar variation 137375 (VCV000137375.28), dbSNP rs2295837, ClinGen allele CA290932.

ClinVar aggregate classification (germline): Benign/Likely benign. Review status: criteria provided, multiple submitters, no conflicts (2 of 4 stars). 15 submissions from 14 submitters: Benign (9); Likely benign (2). 4 of the submissions do not count toward it. Last evaluated 2026-02-04.

Conditions:
Charcot-Marie-Tooth disease. Also called: Charcot-Marie-Tooth Neuropathy; Charcot-Marie-Tooth Hereditary Neuropathy. Identifiers: Orphanet 166, MedGen C0007959, MONDO:0015626.
Charcot-Marie-Tooth disease type 4. Also called: Charcot-Marie-Tooth disease, type IV; Charcot-Marie-Tooth, Type 4. Identifiers: Orphanet 64749, MedGen C4082197, MONDO:0018995.
Charcot-Marie-Tooth disease type 4J (CMT4J). Also called: CHARCOT-MARIE-TOOTH DISEASE, AUTOSOMAL RECESSIVE, TYPE 4J; Charcot-Marie-Tooth Neuropathy Type 4J; CHARCOT-MARIE-TOOTH DISEASE, DEMYELINATING, TYPE 4J. Identifiers: Orphanet 139515, MedGen C1970011, MONDO:0012640, OMIM 611228.
Amyotrophic lateral sclerosis type 11 (ALS11). Identifiers: Orphanet 803, MedGen C2675491, MONDO:0012945, OMIM 612577.

Allele frequency attached by ClinVar (database versions not stated): gnomAD exomes 0.07906 and 0.04925; 1000 Genomes Project 30x 0.09494; ESP Exome Variant Server 0.03091; gnomAD 0.04647 and 0.05268; TOPMed 0.05380; ExAC 0.07428; 1000 Genomes Project 0.10004.
gnomAD v4.1: 80,503 of 1,612,658 alleles (5%); highest among the groups gnomAD compares: East Asian, 24%; 3,876 homozygotes.

Submissions (36):

Labcorp Genetics (formerly Invitae), Labcorp
Classification: Benign for Charcot-Marie-Tooth disease type 4. Last evaluated: 2026-02-04. Review status: criteria provided, single submitter. Criteria: Invitae Variant Classification Sherloc (09022015). Collection method: clinical testing. Allele origin: germline.

Dasa
Classification: Benign. Last evaluated: 2025-12-11. Review status: criteria provided, single submitter. Criteria: DASA Assertion Criteria. Collection method: clinical testing. Allele origin: germline.
Comment: NM_014845.6(FIG4):c.1090A>T (p.Met364Leu) is a missense variant that results in the substitution of methionine with leucine. Population frequency is inconsistent with a disease-causing role for this variant, and observations in unaffected individuals support a benign interpretation. Therefore, based on the currently available evidence, this variant is classified as benign.

Blueprint Genetics
Classification: Benign. Last evaluated: 2024-11-27. Review status: criteria provided, single submitter. Criteria: ACMG Guidelines, 2015. Collection method: clinical testing. Allele origin: germline.

Athena Diagnostics
Classification: Benign. Last evaluated: 2021-04-22. Review status: criteria provided, single submitter. Criteria: Athena Diagnostics Criteria. Collection method: clinical testing. Allele origin: unknown.

Illumina Laboratory Services, Illumina
Classification: Benign for Charcot-Marie-Tooth disease type 4J. Last evaluated: 2018-01-13. Review status: criteria provided, single submitter. Criteria: ICSL Variant Classification Criteria 13 December 2019. Collection method: clinical testing. Allele origin: germline.
Comment: This variant was observed in the ICSL laboratory as part of a predisposition screen in an ostensibly healthy population. It had not been previously curated by ICSL or reported in the Human Gene Mutation Database (HGMD: prior to June 1st, 2018), and was therefore a candidate for classification through an automated scoring system. Utilizing variant allele frequency, disease prevalence and penetrance estimates, and inheritance mode, an automated score was calculated to assess if this variant is too frequent to cause the disease. Based on the score and internal cut-off values, a variant classified as benign is not then subjected to further curation. The score for this variant resulted in a classification of benign for this disease.

Illumina Laboratory Services, Illumina
Classification: Benign for Amyotrophic lateral sclerosis type 11. Last evaluated: 2018-01-13. Review status: criteria provided, single submitter. Criteria: ICSL Variant Classification Criteria 13 December 2019. Collection method: clinical testing. Allele origin: germline.
Comment: the same text as in the submission from Illumina Laboratory Services, Illumina above.

Mayo Clinic Laboratories, Mayo Clinic
Classification: Benign. Last evaluated: 2016-04-20. Review status: criteria provided, single submitter. Criteria: ACMG Guidelines, 2015. Collection method: clinical testing. Allele origin: germline. Observed: 265 variant alleles.

GeneDx
Classification: Benign. Last evaluated: 2014-06-05. Review status: criteria provided, single submitter. Criteria: GeneDx Variant Classification (06012015). Collection method: clinical testing. Allele origin: germline. Affected: yes.
Comment: This variant is considered likely benign or benign based on one or more of the following criteria: it is a conservative change, it occurs at a poorly conserved position in the protein, it is predicted to be benign by multiple in silico algorithms, and/or has population frequency not consistent with disease.

Breakthrough Genomics
Classification: Likely benign. Review status: criteria provided, single submitter. Criteria: ACMG Guidelines, 2015. Collection method: not provided. Allele origin: germline. Inheritance: Autosomal recessive inheritance. Affected: yes.

Molecular Genetics Laboratory, London Health Sciences Centre
Classification: Likely benign for Charcot-Marie-Tooth disease. Review status: criteria provided, single submitter. Criteria: ACMG Guidelines, 2015. Collection method: clinical testing. Allele origin: germline. Affected: yes.

PreventionGenetics, part of Exact Sciences
Classification: Benign. Review status: criteria provided, single submitter. Criteria: ACMG Guidelines, 2015. Collection method: clinical testing. Allele origin: germline.

Clinical Genetics DNA and cytogenetics Diagnostics Lab, Erasmus MC, Erasmus Medical Center
Classification: Benign. Review status: no assertion criteria provided. Collection method: clinical testing. Allele origin: germline. Affected: yes. Study: VKGL Data-share Consensus. Not counted in ClinVar's aggregate classification.

Clinical Genetics, Academic Medical Center
Classification: Benign. Review status: no assertion criteria provided. Collection method: clinical testing. Allele origin: germline. Affected: yes. Study: VKGL Data-share Consensus. Not counted in ClinVar's aggregate classification.

Dr. Peter K. Rogan Lab, Western University
No classification provided (evidence only). Condition: Acute myeloid leukemia. Review status: no classification provided. Collection method: in vitro. Allele origin: not applicable. Functional consequence: retained intron. Not counted in ClinVar's aggregate classification.

Dr. Peter K. Rogan Lab, Western University
No classification provided (evidence only). Condition: Acute myeloid leukemia. Review status: no classification provided. Collection method: in vitro. Allele origin: not applicable. Functional consequence: retained intron. Not counted in ClinVar's aggregate classification.

Dr. Peter K. Rogan Lab, Western University
No classification provided (evidence only). Condition: Acute myeloid leukemia. Review status: no classification provided. Collection method: in vitro. Allele origin: not applicable. Functional consequence: retained intron. Not counted in ClinVar's aggregate classification.

Dr. Peter K. Rogan Lab, Western University
No classification provided (evidence only). Condition: Acute myeloid leukemia. Review status: no classification provided. Collection method: in vitro. Allele origin: not applicable. Functional consequence: retained intron. Not counted in ClinVar's aggregate classification.

Dr. Peter K. Rogan Lab, Western University
No classification provided (evidence only). Condition: Colon adenocarcinoma. Review status: no classification provided. Collection method: in vitro. Allele origin: not applicable. Functional consequence: retained intron. Not counted in ClinVar's aggregate classification.

Dr. Peter K. Rogan Lab, Western University
No classification provided (evidence only). Condition: Colon adenocarcinoma. Review status: no classification provided. Collection method: in vitro. Allele origin: not applicable. Functional consequence: retained intron. Not counted in ClinVar's aggregate classification.

Dr. Peter K. Rogan Lab, Western University
No classification provided (evidence only). Condition: Colon adenocarcinoma. Review status: no classification provided. Collection method: in vitro. Allele origin: not applicable. Functional consequence: retained intron. Not counted in ClinVar's aggregate classification.

Dr. Peter K. Rogan Lab, Western University
No classification provided (evidence only). Condition: Colon adenocarcinoma. Review status: no classification provided. Collection method: in vitro. Allele origin: not applicable. Functional consequence: retained intron. Not counted in ClinVar's aggregate classification.

Dr. Peter K. Rogan Lab, Western University
No classification provided (evidence only). Condition: Colorectal cancer. Review status: no classification provided. Collection method: in vitro. Allele origin: not applicable. Functional consequence: retained intron. Not counted in ClinVar's aggregate classification.

Dr. Peter K. Rogan Lab, Western University
No classification provided (evidence only). Condition: Uterine corpus endometrial carcinoma. Review status: no classification provided. Collection method: in vitro. Allele origin: not applicable. Functional consequence: retained intron. Not counted in ClinVar's aggregate classification.

Dr. Peter K. Rogan Lab, Western University
No classification provided (evidence only). Condition: Uterine corpus endometrial carcinoma. Review status: no classification provided. Collection method: in vitro. Allele origin: not applicable. Functional consequence: retained intron. Not counted in ClinVar's aggregate classification.

Dr. Peter K. Rogan Lab, Western University
No classification provided (evidence only). Condition: Malignant lymphoma, large B-cell, diffuse. Review status: no classification provided. Collection method: in vitro. Allele origin: not applicable. Functional consequence: retained intron. Not counted in ClinVar's aggregate classification.

Dr. Peter K. Rogan Lab, Western University
No classification provided (evidence only). Condition: Malignant lymphoma, large B-cell, diffuse. Review status: no classification provided. Collection method: in vitro. Allele origin: not applicable. Functional consequence: retained intron. Not counted in ClinVar's aggregate classification.

Dr. Peter K. Rogan Lab, Western University
No classification provided (evidence only). Condition: Malignant lymphoma, large B-cell, diffuse. Review status: no classification provided. Collection method: in vitro. Allele origin: not applicable. Functional consequence: retained intron. Not counted in ClinVar's aggregate classification.

Dr. Peter K. Rogan Lab, Western University
No classification provided (evidence only). Condition: Malignant lymphoma, large B-cell, diffuse. Review status: no classification provided. Collection method: in vitro. Allele origin: not applicable. Functional consequence: retained intron. Not counted in ClinVar's aggregate classification.

Dr. Peter K. Rogan Lab, Western University
No classification provided (evidence only). Condition: Thymoma. Review status: no classification provided. Collection method: in vitro. Allele origin: not applicable. Functional consequence: retained intron. Not counted in ClinVar's aggregate classification.

Dr. Peter K. Rogan Lab, Western University
No classification provided (evidence only). Condition: Thymoma. Review status: no classification provided. Collection method: in vitro. Allele origin: not applicable. Functional consequence: retained intron. Not counted in ClinVar's aggregate classification.

Dr. Peter K. Rogan Lab, Western University
No classification provided (evidence only). Condition: Thymoma. Review status: no classification provided. Collection method: in vitro. Allele origin: not applicable. Functional consequence: retained intron. Not counted in ClinVar's aggregate classification.

Dr. Peter K. Rogan Lab, Western University
No classification provided (evidence only). Condition: Thymoma. Review status: no classification provided. Collection method: in vitro. Allele origin: not applicable. Functional consequence: retained intron. Not counted in ClinVar's aggregate classification.

Dr. Peter K. Rogan Lab, Western University
No classification provided (evidence only). Condition: Cholangiocarcinoma. Review status: no classification provided. Collection method: in vitro. Allele origin: not applicable. Functional consequence: retained intron. Not counted in ClinVar's aggregate classification.

Dr. Peter K. Rogan Lab, Western University
No classification provided (evidence only). Condition: Adrenocortical carcinoma, hereditary. Review status: no classification provided. Collection method: in vitro. Allele origin: not applicable. Functional consequence: retained intron. Not counted in ClinVar's aggregate classification.

Genome Diagnostics Laboratory, Amsterdam University Medical Center
Classification: Likely benign. Review status: no assertion criteria provided. Collection method: clinical testing. Allele origin: germline. Affected: yes. Study: VKGL Data-share Consensus. Not counted in ClinVar's aggregate classification.

Genome Diagnostics Laboratory, University Medical Center Utrecht
Classification: Benign. Review status: no assertion criteria provided. Collection method: clinical testing. Allele origin: germline. Affected: yes. Study: VKGL Data-share Consensus. Not counted in ClinVar's aggregate classification.